The following is an entry in ClinVar:

ClinVar aggregate classification (germline): Uncertain significance. Review status: criteria provided, multiple submitters, no conflicts (2 of 4 stars). 2 submissions from 2 submitters: Uncertain significance (2). Last evaluated 2024-05-30.

Conditions:
Charcot-Marie-Tooth disease axonal type 2S. Also called: CHARCOT-MARIE-TOOTH NEUROPATHY, TYPE 2S; CHARCOT-MARIE-TOOTH DISEASE, AXONAL, AUTOSOMAL RECESSIVE, TYPE 2S. Identifiers: Orphanet 443073, MedGen C4015349, MONDO:0014511, OMIM 616155.
Autosomal recessive distal spinal muscular atrophy 1. Also called: NEURONOPATHY, DISTAL HEREDITARY MOTOR, HARDING TYPE VI; NEUROPATHY, DISTAL HEREDITARY MOTOR, AUTOSOMAL RECESSIVE 1; HMN VI; SEVERE INFANTILE AXONAL NEUROPATHY WITH RESPIRATORY FAILURE; SPINAL MUSCULAR ATROPHY, DIAPHRAGMATIC; Spinal muscular atrophy with respiratory distress 1. Identifiers: Orphanet 98920, MedGen C1858517, MONDO:0011436, OMIM 604320.

Allele frequency attached by ClinVar (database versions not stated): gnomAD 0.00001; ExAC 0.00002; gnomAD exomes 0.00002.
gnomAD v4.1: 14 of 1,614,022 alleles (0.00087%); highest among the groups gnomAD compares: Middle Eastern, 0.016%; no homozygotes.

Submissions (2):

Women's Health and Genetics/Laboratory Corporation of America, LabCorp
Classification: Uncertain significance. Last evaluated: 2024-05-30. Review status: criteria provided, single submitter. Criteria: LabCorp Variant Classification Summary - May 2015. Collection method: clinical testing. Allele origin: germline.
Comment: Variant summary: IGHMBP2 c.1783C>T (p.Arg595Trp) results in a non-conservative amino acid change located in the DNA2/NAM7 helicase-like, C-terminal domain (IPR041679) of the encoded protein sequence. Five of five in-silico tools predict a damaging effect of the variant on protein function. The variant allele was found at a frequency of 1.6e-05 in 250890 control chromosomes. The available data on variant occurrences in the general population are insufficient to allow any conclusion about variant significance. c.1783C>T has been reported in the literature in compound heterozygous individuals affected with features of Charcot-Marie-Tooth Disease, Axonal, Type 2S (Hsu_2019, Xie_2021, Yuan_2017). These report(s) do not provide unequivocal conclusions about association of the variant with Charcot-Marie-Tooth Disease, Axonal, Type 2S and/or Autosomal Recessive Distal Spinal Muscular Atrophy 1. To our knowledge, no experimental evidence demonstrating an impact on protein function has been reported. The following publications have been ascertained in the context of this evaluation (PMID: 31211173, 34255403, 28202949). ClinVar contains an entry for this variant (Variation ID: 1052279). Based on the evidence outlined above, the variant was classified as uncertain significance.

Labcorp Genetics (formerly Invitae), Labcorp
Classification: Uncertain significance for Autosomal recessive distal spinal muscular atrophy 1; Charcot-Marie-Tooth disease axonal type 2S. Last evaluated: 2021-08-30. Review status: criteria provided, single submitter. Criteria: Invitae Variant Classification Sherloc (09022015). Collection method: clinical testing. Allele origin: germline.
Comment: This sequence change replaces arginine with tryptophan at codon 595 of the IGHMBP2 protein (p.Arg595Trp). The arginine residue is highly conserved and there is a moderate physicochemical difference between arginine and tryptophan. This variant is present in population databases (rs746014167, ExAC 0.006%). This missense change has been observed in individual(s) with clinical features of IGHMBP2-related conditions (PMID: 28202949). Algorithms developed to predict the effect of missense changes on protein structure and function are either unavailable or do not agree on the potential impact of this missense change (SIFT: "Deleterious"; PolyPhen-2: "Probably Damaging"; Align-GVGD: "Class C0"). In summary, the available evidence is currently insufficient to determine the role of this variant in disease. Therefore, it has been classified as a Variant of Uncertain Significance.

Literature cited by the submitters: PubMed 31211173 (cited by Women's Health and Genetics/Laboratory Corporation of America, LabCorp); PubMed 34255403 (cited by Women's Health and Genetics/Laboratory Corporation of America, LabCorp); PubMed 28202949 (cited by Women's Health and Genetics/Laboratory Corporation of America, LabCorp and Labcorp Genetics (formerly Invitae), Labcorp).

NM_002180.3(IGHMBP2):c.1783C>T (p.Arg595Trp)

Gene: IGHMBP2 (immunoglobulin mu DNA binding protein 2; plus strand). Cytogenetic location: 11q13.3.
Variant type: single nucleotide variant.
Coding change: c.1783C>T on transcript NM_002180.3 (MANE Select); coding-DNA position 1783, C replaced by T.
Protein change: p.Arg595Trp; replaces arginine 595 with tryptophan.
Molecular consequence: missense variant.
Genome position (GRCh38, 1-based): chr11:68,936,263, C>T. VCF-style: chr11-68936263-C-T. GRCh37 (hg19) VCF-style: chr11-68703731-C-T.
Other names: short protein forms R595W.
Identifiers: ClinVar variation 1052279 (VCV001052279.7), dbSNP rs746014167, ClinGen allele CA6153777.